The following is an entry in ClinVar:

ClinVar aggregate classification (germline): Likely benign. Review status: criteria provided, multiple submitters, no conflicts (2 of 4 stars). 2 submissions from 2 submitters: Likely benign (2). Last evaluated 2025-10-13.

Conditions:
ALG3-congenital disorder of glycosylation. Also called: CONGENITAL DISORDER OF GLYCOSYLATION, TYPE Id; CDG Id; ALG3-CDG; CARBOHYDRATE-DEFICIENT GLYCOPROTEIN SYNDROME, TYPE IV; CDGS, TYPE IV. Identifiers: Orphanet 79321, MedGen C1832736, MONDO:0010998, OMIM 601110.

Allele frequency attached by ClinVar (database versions not stated): ESP Exome Variant Server 0.00008; gnomAD exomes 0.00008; ExAC 0.00010; gnomAD 0.00010; TOPMed 0.00013.

Submissions (2):

Labcorp Genetics (formerly Invitae), Labcorp
Classification: Likely benign for ALG3-congenital disorder of glycosylation. Last evaluated: 2025-10-13. Review status: criteria provided, single submitter. Criteria: Invitae Variant Classification Sherloc (09022015). Collection method: clinical testing. Allele origin: germline.

GeneDx
Classification: Likely benign. Last evaluated: 2016-11-16. Review status: criteria provided, single submitter. Criteria: GeneDx Variant Classification (06012015). Collection method: clinical testing. Allele origin: germline. Affected: yes.
Comment: This variant is considered likely benign or benign based on one or more of the following criteria: it is a conservative change, it occurs at a poorly conserved position in the protein, it is predicted to be benign by multiple in silico algorithms, and/or has population frequency not consistent with disease.

NM_005787.6(ALG3):c.1176C>T (p.Ile392=)

Gene: ALG3 (ALG3 alpha-1,3- mannosyltransferase; minus strand). Cytogenetic location: 3q27.1.
Variant type: single nucleotide variant.
Coding change: c.1176C>T on transcript NM_005787.6 (MANE Select); coding-DNA position 1176, C replaced by T.
Protein change: p.Ile392=; no amino-acid change (isoleucine 392 retained).
Molecular consequence: synonymous variant. On other transcripts: non-coding transcript variant (2).
Genome position (GRCh38, 1-based): chr3:184,242,655, G>A on the plus strand (C>T on the coding strand, the complement: ALG3 is on the minus strand). VCF-style: chr3-184242655-G-A. GRCh37 (hg19) VCF-style: chr3-183960443-G-A.
Other names: c.1032C>T, p.Ile344= (NM_001006941.2).
Identifiers: ClinVar variation 390883 (VCV000390883.4), dbSNP rs377091766, ClinGen allele CA2729285.